The following is an entry in ClinVar:

ClinVar aggregate classification (germline): Pathogenic (1 of 4 stars; one submission).

Conditions:
Mosaic variegated aneuploidy syndrome 1 (MVA1). Also called: Warburton-Anyane-Yeboa syndrome. Identifiers: Orphanet 1052, MedGen C1850343, MONDO:0009759, OMIM 257300.

Submission:

Labcorp Genetics (formerly Invitae), Labcorp
Classification: Pathogenic for Mosaic variegated aneuploidy syndrome 1. Last evaluated: 2020-12-31. Review status: criteria provided, single submitter. Criteria: Invitae Variant Classification Sherloc (09022015). Collection method: clinical testing. Allele origin: germline.
Comment: This variant has not been reported in the literature in individuals with BUB1B-related conditions. For these reasons, this variant has been classified as Pathogenic. This variant is not present in population databases (ExAC no frequency). This sequence change creates a premature translational stop signal (p.Leu433*) in the BUB1B gene. It is expected to result in an absent or disrupted protein product. Loss-of-function variants in BUB1B are known to be pathogenic (PMID: 15475955, 21190457).

Literature cited by the submitters: PubMed 15475955; PubMed 21190457.

NM_001211.6(BUB1B):c.1298T>A (p.Leu433Ter)

Gene: BUB1B (BUB1 mitotic checkpoint serine/threonine kinase B; plus strand). Cytogenetic location: 15q15.1.
Variant type: single nucleotide variant.
Coding change: c.1298T>A on transcript NM_001211.6 (MANE Select); coding-DNA position 1298, T replaced by A.
Protein change: p.Leu433Ter; replaces leucine 433 with a stop codon.
Molecular consequence: nonsense.
Genome position (GRCh38, 1-based): chr15:40,199,624, T>A. VCF-style: chr15-40199624-T-A. GRCh37 (hg19) VCF-style: chr15-40491825-T-A.
Other names: short protein forms L433*.
Identifiers: ClinVar variation 1398305 (VCV001398305.6), dbSNP rs2140900203, ClinGen allele CA391688579.